The following is an entry in ClinVar:

NM_007294.4(BRCA1):c.2437_2454dup (p.Cys818_Ser819insGlyLeuIleHisGlyCys)

Gene: BRCA1 (BRCA1 DNA repair associated; minus strand). Cytogenetic location: 17q21.31.
Variant type: Duplication.
Coding change: c.2437_2454dup on transcript NM_007294.4 (MANE Select); coding-DNA positions 2437 to 2454, 18 bases duplicated (GGACTAATTCATGGTTGT).
Protein change: p.Cys818_Ser819insGlyLeuIleHisGlyCys.
Molecular consequence: inframe insertion. On other transcripts: intron variant (137).
Genome position (GRCh38, 1-based): chr17:43,093,077-43,093,094, ACAACCATGAATTAGTCC duplicated on the plus strand (GGACTAATTCATGGTTGT on the coding strand, the reverse complement: BRCA1 is on the minus strand). VCF-style (leftmost placement, unchanged base first): chr17-43093076-A-AACAACCATGAATTAGTCC. GRCh37 (hg19) VCF-style: chr17-41245093-A-AACAACCATGAATTAGTCC.
Other names: c.2293_2310dup, p.Cys770_Ser771insGlyLeuIleHisGlyCys (NM_001407744.1, NM_001407740.1, NM_001407741.1 and 20 more transcripts); c.2434_2451dup, p.Cys817_Ser818insGlyLeuIleHisGlyCys (NM_001407627.1, NM_001407628.1, NM_001407629.1 and 22 more transcripts); c.2437_2454dup, p.Cys818_Ser819insGlyLeuIleHisGlyCys (NM_001407581.1, NM_001407582.1, NM_001407583.1 and 30 more transcripts); c.2428_2445dup, p.Cys815_Ser816insGlyLeuIleHisGlyCys (NM_001407646.1, NM_001407647.1); c.2314_2331dup, p.Cys777_Ser778insGlyLeuIleHisGlyCys (NM_001407648.1, NM_001407664.1, NM_001407665.1 and 19 more transcripts); c.2311_2328dup, p.Cys776_Ser777insGlyLeuIleHisGlyCys (NM_001407649.1, NM_001407670.1, NM_001407671.1 and 11 more transcripts); c.2359_2376dup, p.Cys792_Ser793insGlyLeuIleHisGlyCys (NM_001407653.1, NM_001407654.1, NM_001407655.1 and 4 more transcripts); c.2356_2373dup, p.Cys791_Ser792insGlyLeuIleHisGlyCys (NM_001407659.1, NM_001407660.1, NM_001407661.1 and 1 more transcripts); and 41 more.
Identifiers: ClinVar variation 4723581 (VCV004723581.1).

ClinVar aggregate classification (germline): Uncertain significance (1 of 4 stars; one submission).

Conditions:
Hereditary breast ovarian cancer syndrome. Also called: Hereditary breast and ovarian cancer syndrome; Hereditary breast and ovarian cancer syndrome (HBOC); Breast and ovarian cancer; BRCA1- and BRCA2-Associated Hereditary Breast and Ovarian Cancer; Hereditary breast and/or ovarian cancer syndrome; Hereditary breast and ovarian cancer. Identifiers: Orphanet 145, MedGen C0677776, MeSH D061325, MONDO:0003582. Disease mechanism: loss of function.

Submission:

Labcorp Genetics (formerly Invitae), Labcorp
Classification: Uncertain significance for Hereditary breast ovarian cancer syndrome. Last evaluated: 2025-07-21. Review status: criteria provided, single submitter. Criteria: Invitae Variant Classification Sherloc (09022015). Collection method: clinical testing. Allele origin: germline.
Comment: This variant, c.2437_2454dup, results in the insertion of 6 amino acid(s) of the BRCA1 protein (p.Gly813_Cys818dup), but otherwise preserves the integrity of the reading frame. This variant is not present in population databases (gnomAD no frequency). This variant has not been reported in the literature in individuals affected with BRCA1-related conditions. In summary, the available evidence is currently insufficient to determine the role of this variant in disease. Therefore, it has been classified as a Variant of Uncertain Significance.